The following is an entry in ClinVar:

ClinVar aggregate classification (germline): Likely benign (1 of 4 stars; one submission).

Allele frequency attached by ClinVar (database versions not stated): gnomAD exomes 0.00001 and below 0.00001; TOPMed 0.00003; ExAC 0.00001; gnomAD 0.00002.
gnomAD v4.1: 13 of 1,607,890 alleles (0.00081%); highest among the groups gnomAD compares: African/African-American, 0.013%; no homozygotes.

Submission:

GeneDx
Classification: Likely benign. Last evaluated: 2017-11-07. Review status: criteria provided, single submitter. Criteria: GeneDx Variant Classification (06012015). Collection method: clinical testing. Allele origin: germline. Affected: yes.
Comment: This variant is considered likely benign or benign based on one or more of the following criteria: it is a conservative change, it occurs at a poorly conserved position in the protein, it is predicted to be benign by multiple in silico algorithms, and/or has population frequency not consistent with disease.

NM_000969.5(RPL5):c.795G>A (p.Arg265=)

Genes: DIPK1A (divergent protein kinase domain 1A; minus strand), RPL5 (ribosomal protein L5; plus strand). Cytogenetic location: 1p22.1.
Variant type: single nucleotide variant.
Coding change: c.795G>A on transcript NM_000969.5 (MANE Select); coding-DNA position 795, G replaced by A.
Protein change: p.Arg265=; no amino-acid change (arginine 265 retained).
Molecular consequence: synonymous variant. On other transcripts: non-coding transcript variant (1), intron variant (1).
Genome position (GRCh38, 1-based): chr1:92,841,766, G>A. VCF-style: chr1-92841766-G-A. GRCh37 (hg19) VCF-style: chr1-93307323-G-A.
Other names: c.474+5417C>T (NM_001252273.2).
Identifiers: ClinVar variation 513257 (VCV000513257.3), dbSNP rs767272778, ClinGen allele CA952634.
Genomic context (GRCh38, chr1:92,841,766, plus strand): 5'-ATTAAATATTCTATTCTCTTCAGTTATAGTTTAAAAAATATATATTCCTATCTTTTGTAG[G>A]TGGAACCGTCCCAAAATGTCCCTTGCTCAGAAGAAGGATCGGGTAGCTCAAAAGAAGGCA-3'
Protein context (NP_000960.2, residues 255-275): KKPKKEVKKK[Arg265=]WNRPKMSLAQ